The following is an entry in ClinVar:

ClinVar aggregate classification (germline): Uncertain significance (1 of 4 stars; one submission).

Conditions:
Glycine encephalopathy. Also called: Nonketotic hyperglycinemia; Non-ketotic hyperglycinemia. Identifiers: Orphanet 407, MedGen C0751748, MONDO:0011612, HP:0008288.

Allele frequency attached by ClinVar (database versions not stated): ExAC 0.00001.
gnomAD v4.1: 1 of 1,614,150 alleles (0.000062%); no homozygotes.

Submission:

Labcorp Genetics (formerly Invitae), Labcorp
Classification: Uncertain significance for Glycine encephalopathy. Last evaluated: 2022-03-27. Review status: criteria provided, single submitter. Criteria: Invitae Variant Classification Sherloc (09022015). Collection method: clinical testing. Allele origin: germline.
Comment: This sequence change replaces proline, which is neutral and non-polar, with leucine, which is neutral and non-polar, at codon 667 of the GLDC protein (p.Pro667Leu). This variant is present in population databases (rs753545868, gnomAD no frequency). This variant has not been reported in the literature in individuals affected with GLDC-related conditions. Advanced modeling of protein sequence and biophysical properties (such as structural, functional, and spatial information, amino acid conservation, physicochemical variation, residue mobility, and thermodynamic stability) performed at Invitae indicates that this missense variant is not expected to disrupt GLDC protein function. In summary, the available evidence is currently insufficient to determine the role of this variant in disease. Therefore, it has been classified as a Variant of Uncertain Significance.

NM_000170.3(GLDC):c.2000C>T (p.Pro667Leu)

Gene: GLDC (glycine decarboxylase; minus strand). Cytogenetic location: 9p24.1.
Variant type: single nucleotide variant.
Coding change: c.2000C>T on transcript NM_000170.3 (MANE Select); coding-DNA position 2000, C replaced by T.
Protein change: p.Pro667Leu; replaces proline 667 with leucine.
Molecular consequence: missense variant.
Genome position (GRCh38, 1-based): chr9:6,558,611, G>A on the plus strand (C>T on the coding strand, the complement: GLDC is on the minus strand). VCF-style: chr9-6558611-G-A. GRCh37 (hg19) VCF-style: chr9-6558611-G-A.
Other names: short protein forms P667L.
Identifiers: ClinVar variation 2184309 (VCV002184309.1), dbSNP rs753545868, ClinGen allele CA4980449.